The following is an entry in ClinVar:

ClinVar aggregate classification (germline): Conflicting classifications of pathogenicity. Review status: criteria provided, conflicting classifications (1 of 4 stars). 14 submissions from 10 submitters: Uncertain significance (11); Likely benign (1). 2 of the submissions do not count toward it. Last evaluated 2025-07-10.

Conditions:
TTN-related disorder. Also called: TTN-related condition; TTN-related disease; TTN-related disorders.
Dilated cardiomyopathy 1G (CMD1G). Identifiers: Orphanet 154, MedGen C1858763, MONDO:0011400, OMIM 604145.
Autosomal recessive limb-girdle muscular dystrophy type 2J (LGMDR10). Also called: Limb-girdle muscular dystrophy, type 2J; MUSCULAR DYSTROPHY, LIMB-GIRDLE, AUTOSOMAL RECESSIVE 10. Identifiers: Orphanet 140922, MedGen C1837342, MONDO:0012127, OMIM 608807.
Inborn genetic diseases. Identifiers: MedGen C0950123, MeSH D030342.
Tibial muscular dystrophy (TMD). Also called: Udd Distal Myopathy – Tibial Muscular Dystrophy; Tibial muscular dystrophy, tardive; UDD MYOPATHY. Identifiers: Orphanet 609, MedGen C1838244, MONDO:0010870, OMIM 600334.
Early-onset myopathy with fatal cardiomyopathy (CMYO5). Also called: CONGENITAL MYOPATHY 5 WITH CARDIOMYOPATHY; Salih Myopathy. Identifiers: Orphanet 289377, MedGen C2673677, MONDO:0012714, OMIM 611705. Disease mechanism: loss of function.
Myopathy, myofibrillar, 9, with early respiratory failure (MFM9). Also called: EDSTROM MYOPATHY; MYOPATHY, PROXIMAL, WITH EARLY RESPIRATORY MUSCLE INVOLVEMENT; Hereditary myopathy with early respiratory failure; Myopathy, distal, with early respiratory failure, autosomal dominant. Identifiers: Orphanet 178464, Orphanet 34521, MedGen C1863599, MONDO:0011362, OMIM 603689.

Allele frequency attached by ClinVar (database versions not stated): ExAC 0.00003; gnomAD 0.00004 and 0.00005; gnomAD exomes 0.00004 and 0.00008; TOPMed 0.00005.
gnomAD v4.1: 129 of 1,612,114 alleles (0.008%); highest among the groups gnomAD compares: Non-Finnish European, 0.01%; no homozygotes.

Submissions (14):

PreventionGenetics, part of Exact Sciences
Classification: Uncertain significance for TTN-related condition. Last evaluated: 2025-07-10. Review status: criteria provided, single submitter. Criteria: ACMG Guidelines, 2015. Collection method: clinical testing. Allele origin: germline.
Comment: The TTN c.39235G>A variant is predicted to result in the amino acid substitution p.Val13079Ile. To our knowledge, this variant has not been reported in individuals with TTN-related disorders in the literature. This variant is reported in 0.010% of alleles in individuals of European (Non-Finnish) descent in gnomAD. At this time, the clinical significance of this variant is uncertain due to the absence of conclusive functional and genetic evidence.

CeGaT Center for Human Genetics Tuebingen
Classification: Uncertain significance. Last evaluated: 2024-07-01. Review status: criteria provided, single submitter. Criteria: CeGaT Center For Human Genetics Tuebingen Variant Classification Criteria Version 2. Collection method: clinical testing. Allele origin: germline. Affected: yes. Observed: 2 variant alleles.
Comment: TTN: PM2, BP4

Revvity Omics, Revvity
Classification: Uncertain significance. Last evaluated: 2019-07-23. Review status: criteria provided, single submitter. Criteria: ACMG Guidelines, 2015. Collection method: clinical testing. Allele origin: germline.

GeneDx
Classification: Likely benign. Last evaluated: 2018-07-10. Review status: criteria provided, single submitter. Criteria: GeneDx Variant Classification Process June 2021. Collection method: clinical testing. Allele origin: germline. Affected: yes.

Illumina Laboratory Services, Illumina
Classification: Uncertain significance for Dilated cardiomyopathy 1G. Last evaluated: 2018-01-13. Review status: criteria provided, single submitter. Criteria: ICSL Variant Classification Criteria 13 December 2019. Collection method: clinical testing. Allele origin: germline.

Illumina Laboratory Services, Illumina
Classification: Uncertain significance for Early-onset myopathy with fatal cardiomyopathy. Last evaluated: 2018-01-13. Review status: criteria provided, single submitter. Criteria: ICSL Variant Classification Criteria 13 December 2019. Collection method: clinical testing. Allele origin: germline.

Illumina Laboratory Services, Illumina
Classification: Uncertain significance for Autosomal recessive limb-girdle muscular dystrophy type 2J. Last evaluated: 2018-01-13. Review status: criteria provided, single submitter. Criteria: ICSL Variant Classification Criteria 13 December 2019. Collection method: clinical testing. Allele origin: germline.

Illumina Laboratory Services, Illumina
Classification: Uncertain significance for Myopathy, myofibrillar, 9, with early respiratory failure. Last evaluated: 2018-01-13. Review status: criteria provided, single submitter. Criteria: ICSL Variant Classification Criteria 13 December 2019. Collection method: clinical testing. Allele origin: germline.

Illumina Laboratory Services, Illumina
Classification: Uncertain significance for Tibial muscular dystrophy. Last evaluated: 2018-01-13. Review status: criteria provided, single submitter. Criteria: ICSL Variant Classification Criteria 13 December 2019. Collection method: clinical testing. Allele origin: germline.

Labcorp Genetics (formerly Invitae), Labcorp
Classification: Uncertain significance for Dilated cardiomyopathy 1G; Autosomal recessive limb-girdle muscular dystrophy type 2J. Last evaluated: 2015-12-16. Review status: criteria provided, single submitter. Criteria: Invitae Variant Classification Sherloc (09022015). Collection method: clinical testing. Allele origin: germline.

Biesecker Lab/Clinical Genomics Section, National Institutes of Health
Classification: Uncertain significance. Last evaluated: 2013-06-24. Review status: criteria provided, single submitter. Criteria: Ng et al. (Circ Cardiovasc Genet. 2013). Collection method: research. Allele origin: unknown. Observed: 1 variant allele. Study: ClinSeq.
Comment: The study set was not selected for affection status in relation to any cancer. Pathogenicity categories were based on literature curation. See Pubmed ID:23861362 for details.

Medical sequencing

Ambry Genetics
Classification: Uncertain significance for Inborn genetic diseases. Last evaluated: 2013-02-19. Review status: criteria provided, single submitter. Criteria: Ambry Autosomal Dominant and X-Linked criteria (10/2015). Collection method: clinical testing. Allele origin: germline. Observed: 1 variant allele.
Comment: There is insufficient or conflicting evidence for classification of this alteration.

Clinical Genetics DNA and cytogenetics Diagnostics Lab, Erasmus MC, Erasmus Medical Center
Classification: Uncertain significance. Review status: no assertion criteria provided. Collection method: clinical testing. Allele origin: germline. Affected: yes. Study: VKGL Data-share Consensus. Not counted in ClinVar's aggregate classification.

Clinical Genetics, Academic Medical Center
Classification: Uncertain significance. Review status: no assertion criteria provided. Collection method: clinical testing. Allele origin: germline. Affected: yes. Study: VKGL Data-share Consensus. Not counted in ClinVar's aggregate classification.

NM_001267550.2(TTN):c.39235G>A (p.Val13079Ile)

Gene: TTN (titin; minus strand). Cytogenetic location: 2q31.2.
Variant type: single nucleotide variant.
Coding change: c.39235G>A on transcript NM_001267550.2 (MANE Select); coding-DNA position 39235, G replaced by A.
Protein change: p.Val13079Ile; replaces valine 13079 with isoleucine.
Molecular consequence: missense variant. On other transcripts: intron variant (3).
Genome position (GRCh38, 1-based): chr2:178,652,156, C>T on the plus strand (G>A on the coding strand, the complement: TTN is on the minus strand). VCF-style: chr2-178652156-C-T. GRCh37 (hg19) VCF-style: chr2-179516883-C-T.
Other names: c.34714G>A, p.Val11572Ile (NM_001256850.1); c.31933G>A, p.Val10645Ile (NM_133378.4); c.13283-9839G>A (NM_003319.4); c.13859-9839G>A (NM_133437.4); c.13658-9839G>A (NM_133432.3); short protein forms V10645I, V13079I, V11572I.
Identifiers: ClinVar variation 191979 (VCV000191979.34), dbSNP rs777119867, ClinGen allele CA238015.